The following is an entry in ClinVar:

NM_004972.4(JAK2):c.1613_1617delinsTG (p.His538_Lys539delinsLeu)

Genes: INSL6 (insulin like 6; minus strand), JAK2 (Janus kinase 2; plus strand). Cytogenetic location: 9p24.1.
Variant type: Indel.
Coding change: c.1613_1617delinsTG on transcript NM_004972.4 (MANE Select); coding-DNA positions 1613 to 1617, ACAAA replaced by TG.
Protein change: p.His538_Lys539delinsLeu.
Molecular consequence: inframe indel. On other transcripts: non-coding transcript variant (2).
Genome position (GRCh38, 1-based): chr9:5,070,024-5,070,028, ACAAA replaced by TG. VCF-style: chr9-5070024-ACAAA-TG. GRCh37 (hg19) VCF-style: chr9-5070024-ACAAA-TG.
Other names: c.1613_1617delinsTG, p.His538_Lys539delinsLeu (NM_001322194.2, NM_001322195.2, NM_001322196.2); c.398_402delinsTG, p.His133_Lys134delinsLeu (NM_001322198.2, NM_001322199.2); c.1166_1170delinsTG, p.His389_Lys390delinsLeu (NM_001322204.2).
Identifiers: ClinVar variation 5036710 (VCV005036710.1).

ClinVar aggregate classification (germline): Pathogenic (1 of 4 stars; one submission).

Conditions:
Acquired polycythemia vera. Also called: POLYCYTHEMIA RUBRA VERA; Polycythemia vera, somatic; Suspected polycythemia vera. Identifiers: Orphanet 729, MedGen C0032463, MeSH D011087, MONDO:0009891, OMIM 263300.

Submission:

Dept of Medical Biology, Uskudar University
Classification: Pathogenic for Acquired polycythemia vera. Last evaluated: 2026-09-16. Review status: criteria provided, single submitter. Criteria: Dept of Medical Biology Variant Classification. Collection method: research. Allele origin: unknown. Affected: yes. Observed: 1 variant allele.
Comment: PS3: JAK2 exon 12 mutations confer erythropoietin-independent growth and constitutive JAK-STAT signalling in functional studies (PMID:17267906). PS4_moderate: JAK2 exon 12 in-frame changes at residues 537-543 are recurrent in JAK2 V617F-negative polycythaemia vera (PMID:17267906); this allele is recorded in COSMIC (COSM29084). PM1: located in the exon 12 mutational hotspot (residues 537-543) of the JAK2 pseudokinase-SH2 linker region. PM4: in-frame deletion that changes protein length in a non-repetitive region. PM2_supporting: absent from gnomAD v4.1. Classified as pathogenic under the ACMG/AMP 2015 guidelines (PMID:25741868). Detected in a retrospective series of 256 BCR::ABL1-negative and JAK2 V617F-negative patients referred for molecular investigation of a suspected myeloproliferative neoplasm (May 2007 to January 2015) and re-interpreted under the ACMG/AMP 2015 criteria.

Literature cited by the submitters: PubMed 17267906.